The following is an entry in ClinVar:

NM_032638.5(GATA2):c.320C>T (p.Ala107Val)

Gene: GATA2 (GATA binding protein 2; minus strand). Cytogenetic location: 3q21.3.
Variant type: single nucleotide variant.
Coding change: c.320C>T on transcript NM_032638.5 (MANE Select); coding-DNA position 320, C replaced by T.
Protein change: p.Ala107Val; replaces alanine 107 with valine.
Molecular consequence: missense variant.
Genome position (GRCh38, 1-based): chr3:128,486,278, G>A on the plus strand (C>T on the coding strand, the complement: GATA2 is on the minus strand). VCF-style: chr3-128486278-G-A. GRCh37 (hg19) VCF-style: chr3-128205121-G-A.
Other names: c.320C>T, p.Ala107Val (NM_001145661.2, NM_001145662.1); short protein forms A107V.
Identifiers: ClinVar variation 3853021 (VCV003853021.1).
Genomic context (GRCh38, chr3:128,486,278, plus strand): 5'-TGCAGTGGCGTCTTGGAGAAGGGGCTCACGGTCCAGGGGTTGTGGTGGTGGGCCGCAGCG[G>A]CAGAGAGGGCTGCTTTGCCCCCGTCCAGCCAGGGCAAACCCGGGCTGTGCAACAAGTGTG-3'
Protein context (NP_116027.2, residues 97-117): WLDGGKAALS[Ala107Val]AAAHHHNPWT

ClinVar aggregate classification (germline): Uncertain significance (1 of 4 stars; one submission).

Conditions:
Inborn genetic diseases. Identifiers: MedGen C0950123, MeSH D030342.

Submission:

Ambry Genetics
Classification: Uncertain significance for Inborn genetic diseases. Last evaluated: 2025-01-09. Review status: criteria provided, single submitter. Criteria: Ambry Variant Classification Scheme 2023. Collection method: clinical testing. Allele origin: germline.
Comment: The p.A107V variant (also known as c.320C>T), located in coding exon 2 of the GATA2 gene, results from a C to T substitution at nucleotide position 320. The alanine at codon 107 is replaced by valine, an amino acid with similar properties. This amino acid position is conserved. In addition, the in silico prediction for this alteration is inconclusive. Based on the available evidence, the clinical significance of this variant remains unclear.